The following is an entry in ClinVar:

NM_017742.6(ZCCHC2):c.1765A>G (p.Lys589Glu)

Gene: ZCCHC2 (zinc finger CCHC-type containing 2; plus strand). Cytogenetic location: 18q21.33.
Variant type: single nucleotide variant.
Coding change: c.1765A>G on transcript NM_017742.6 (MANE Select); coding-DNA position 1765, A replaced by G.
Protein change: p.Lys589Glu; replaces lysine 589 with glutamic acid.
Molecular consequence: missense variant. On other transcripts: non-coding transcript variant (1).
Genome position (GRCh38, 1-based): chr18:62,565,015, A>G. VCF-style: chr18-62565015-A-G. GRCh37 (hg19) VCF-style: chr18-60232248-A-G.
Other names: c.694A>G, p.Lys232Glu (NM_032724.2); short protein forms K232E, K589E.
Identifiers: ClinVar variation 2648780 (VCV002648780.24), dbSNP rs61740184, ClinGen allele CA8984373.
Genomic context (GRCh38, chr18:62,565,015, plus strand): 5'-GGTAGATAACCTTATTAAAATGTTGGCAATATGTTCATTTGGTTTAGGGAGAAAATTAAG[A>G]AAACTGACAACAGATTGAATAGTAGAATAAATGGTATTAGACTCTCCACTCCTCAGCATG-3'
Protein context (NP_060212.4, residues 579-599): KPQTEKEKIK[Lys589Glu]TDNRLNSRIN

ClinVar aggregate classification (germline): Likely benign (1 of 4 stars; one submission).

Allele frequency attached by ClinVar (database versions not stated): 1000 Genomes Project 0.00240; 1000 Genomes Project 30x 0.00265; TOPMed 0.00516; ExAC 0.00520; gnomAD 0.00542; ESP Exome Variant Server 0.00619; gnomAD exomes 0.00766.
gnomAD v4.1: 11,905 of 1,612,860 alleles (0.74%); highest among the groups gnomAD compares: Non-Finnish European, 0.92%; 54 homozygotes.

Submission:

CeGaT Center for Human Genetics Tuebingen
Classification: Likely benign. Last evaluated: 2022-12-01. Review status: criteria provided, single submitter. Criteria: CeGaT Center For Human Genetics Tuebingen Variant Classification Criteria Version 2. Collection method: clinical testing. Allele origin: germline. Affected: yes. Observed: 1 variant allele.
Comment: ZCCHC2: BS2